The following is an entry in ClinVar:

ClinVar aggregate classification (germline): Likely benign (1 of 4 stars; one submission).

Allele frequency attached by ClinVar (database versions not stated): TOPMed below 0.00001.
gnomAD v4.1: 1 of 1,606,452 alleles (0.000062%); highest among the groups gnomAD compares: Non-Finnish European, 0.000085%; no homozygotes.

Submission:

CeGaT Center for Human Genetics Tuebingen
Classification: Likely benign. Last evaluated: 2023-07-01. Review status: criteria provided, single submitter. Criteria: CeGaT Center For Human Genetics Tuebingen Variant Classification Criteria Version 2. Collection method: clinical testing. Allele origin: germline. Affected: yes. Observed: 1 variant allele.
Comment: GFAP: BP4

NM_002055.5(GFAP):c.76G>A (p.Ala26Thr)

Gene: GFAP (glial fibrillary acidic protein; minus strand). Cytogenetic location: 17q21.31.
Variant type: single nucleotide variant.
Coding change: c.76G>A on transcript NM_002055.5 (MANE Select); coding-DNA position 76, G replaced by A.
Protein change: p.Ala26Thr; replaces alanine 26 with threonine.
Molecular consequence: missense variant.
Genome position (GRCh38, 1-based): chr17:44,915,411, C>T on the plus strand (G>A on the coding strand, the complement: GFAP is on the minus strand). VCF-style: chr17-44915411-C-T. GRCh37 (hg19) VCF-style: chr17-42992779-C-T.
Other names: c.76G>A, p.Ala26Thr (NM_001131019.3, NM_001242376.3, NM_001363846.2); short protein forms A26T.
Identifiers: ClinVar variation 2647842 (VCV002647842.24), dbSNP rs1231379140, ClinGen allele CA399849134.
Genomic context (GRCh38, chr17:44,915,411, plus strand): 5'-GTGGAGGGGGCATTCGAGCCAGGGAGAGGCGGGTGCCAGGACCCAGACGGCGGCCAGGAG[C>T]CAGGCCCCCCACCATCATCTCCCCTGAGGAGACGTAGGAGCGGCGAGCAGCGGAGGTGAT-3'
Protein context (NP_002046.1, residues 16-36): SSGEMMVGGL[Ala26Thr]PGRRLGPGTR